The following is an entry in ClinVar:

ClinVar aggregate classification (germline): Uncertain significance. Review status: criteria provided, multiple submitters, no conflicts (2 of 4 stars). 4 submissions from 4 submitters: Uncertain significance (4). Last evaluated 2025-10-02.

Conditions:
Multiple acyl-CoA dehydrogenase deficiency (MADD). Also called: Glutaric acidemia type II; GA 2; Glutaric aciduria, type 2; ETHYLMALONIC-ADIPICACIDURIA; GA II; Glutaric Acidemia type 2. Identifiers: Orphanet 26791, MedGen C0268596, MONDO:0009282, OMIM 231680.

Allele frequency attached by ClinVar (database versions not stated): gnomAD exomes 0.00001; ExAC 0.00002; gnomAD 0.00003; TOPMed 0.00006; 1000 Genomes Project 30x 0.00016; 1000 Genomes Project 0.00020.
gnomAD v4.1: 25 of 1,614,004 alleles (0.0015%); highest among the groups gnomAD compares: African/African-American, 0.0053%; no homozygotes.

Submissions (4):

GeneDx
Classification: Uncertain significance. Last evaluated: 2025-10-02. Review status: criteria provided, single submitter. Criteria: GeneDx Variant Classification Process June 2021. Collection method: clinical testing. Allele origin: germline. Affected: yes.
Comment: Has not been previously published as pathogenic or benign to our knowledge; In silico analysis supports that this missense variant has a deleterious effect on protein structure/function; Not observed at significant frequency in large population cohorts (gnomAD); This variant is associated with the following publications: (PMID: 31589614)

Blueprint Genetics
Classification: Uncertain significance. Last evaluated: 2024-11-06. Review status: criteria provided, single submitter. Criteria: ACMG Guidelines, 2015. Collection method: clinical testing. Allele origin: germline.

Labcorp Genetics (formerly Invitae), Labcorp
Classification: Uncertain significance for Multiple acyl-CoA dehydrogenase deficiency. Last evaluated: 2024-08-31. Review status: criteria provided, single submitter. Criteria: Invitae Variant Classification Sherloc (09022015). Collection method: clinical testing. Allele origin: germline.
Comment: This sequence change replaces alanine, which is neutral and non-polar, with threonine, which is neutral and polar, at codon 78 of the ETFB protein (p.Ala78Thr). This variant is present in population databases (rs548046212, gnomAD 0.004%). This variant has not been reported in the literature in individuals affected with ETFB-related conditions. ClinVar contains an entry for this variant (Variation ID: 203703). Invitae Evidence Modeling of protein sequence and biophysical properties (such as structural, functional, and spatial information, amino acid conservation, physicochemical variation, residue mobility, and thermodynamic stability) indicates that this missense variant is expected to disrupt ETFB protein function with a positive predictive value of 80%. In summary, the available evidence is currently insufficient to determine the role of this variant in disease. Therefore, it has been classified as a Variant of Uncertain Significance.

Women's Health and Genetics/Laboratory Corporation of America, LabCorp
Classification: Uncertain significance. Last evaluated: 2023-08-02. Review status: criteria provided, single submitter. Criteria: LabCorp Variant Classification Summary - May 2015. Collection method: clinical testing. Allele origin: germline.
Comment: Variant summary: ETFB c.232G>A (p.Ala78Thr) results in a non-conservative amino acid change located in the N-terminal domain (IPR014730) of the encoded protein sequence. This variant is also known as c.505G>A (p.Ala169Thr) in another transcript (NM_001014763.1). Five of five in-silico tools predict a damaging effect of the variant on protein function. The variant allele was found at a frequency of 2e-05 in 250302 control chromosomes (gnomAD). The available data on variant occurrences in the general population are insufficient to allow any conclusion about variant significance. To our knowledge, no occurrence of c.232G>A in individuals affected with Glutaric Aciduria, Type 2b and no experimental evidence demonstrating its impact on protein function have been reported. One submitter has cited a clinical-significance assessment for this variant to ClinVar after 2014 and has classified the variant as uncertain significance. Based on the evidence outlined above, the variant was classified as uncertain significance.

Literature cited by the submitters: PubMed 31589614 (cited by Women's Health and Genetics/Laboratory Corporation of America, LabCorp).

NM_001985.3(ETFB):c.232G>A (p.Ala78Thr)

Gene: ETFB (electron transfer flavoprotein subunit beta; minus strand). Cytogenetic location: 19q13.41.
Variant type: single nucleotide variant.
Coding change: c.232G>A on transcript NM_001985.3 (MANE Select); coding-DNA position 232, G replaced by A.
Protein change: p.Ala78Thr; replaces alanine 78 with threonine.
Molecular consequence: missense variant.
Genome position (GRCh38, 1-based): chr19:51,353,275, C>T on the plus strand (G>A on the coding strand, the complement: ETFB is on the minus strand). VCF-style: chr19-51353275-C-T. GRCh37 (hg19) VCF-style: chr19-51856529-C-T.
Other names: p.A78T:GCC>ACC; c.505G>A, p.Ala169Thr (NM_001014763.1); short protein forms A78T, A169T.
Identifiers: ClinVar variation 203703 (VCV000203703.10), dbSNP rs548046212, ClinGen allele CA312506.